The following is an entry in ClinVar:

NM_006269.2(RP1):c.167A>G (p.Asn56Ser)

Gene: RP1 (RP1 axonemal microtubule associated; plus strand). Cytogenetic location: 8q12.1.
Variant type: single nucleotide variant.
Coding change: c.167A>G on transcript NM_006269.2 (MANE Select); coding-DNA position 167, A replaced by G.
Protein change: p.Asn56Ser; replaces asparagine 56 with serine.
Molecular consequence: missense variant.
Genome position (GRCh38, 1-based): chr8:54,621,133, A>G. VCF-style: chr8-54621133-A-G. GRCh37 (hg19) VCF-style: chr8-55533693-A-G.
Other names: c.167A>G, p.Asn56Ser (NM_001375654.1); short protein forms N56S.
Identifiers: ClinVar variation 3728505 (VCV003728505.2).

ClinVar aggregate classification (germline): Uncertain significance (1 of 4 stars; one submission).

gnomAD v4.1: 2 of 1,614,040 alleles (0.00012%); highest among the groups gnomAD compares: Non-Finnish European, 0.00017%; no homozygotes.

Submission:

Labcorp Genetics (formerly Invitae), Labcorp
Classification: Uncertain significance. Last evaluated: 2025-01-05. Review status: criteria provided, single submitter. Criteria: Invitae Variant Classification Sherloc (09022015). Collection method: clinical testing. Allele origin: germline.
Comment: This sequence change replaces asparagine, which is neutral and polar, with serine, which is neutral and polar, at codon 56 of the RP1 protein (p.Asn56Ser). This variant is present in population databases (no rsID available, gnomAD 0.0009%). This variant has not been reported in the literature in individuals affected with RP1-related conditions. An algorithm developed to predict the effect of missense changes on protein structure and function (PolyPhen-2) suggests that this variant is likely to be disruptive. In summary, the available evidence is currently insufficient to determine the role of this variant in disease. Therefore, it has been classified as a Variant of Uncertain Significance.